The following is an entry in ClinVar:

ClinVar aggregate classification (germline): Uncertain significance (1 of 4 stars; one submission).

gnomAD v4.1: 3 of 1,613,290 alleles (0.00019%); highest among the groups gnomAD compares: Non-Finnish European, 0.00025%; no homozygotes.

Submission:

Labcorp Genetics (formerly Invitae), Labcorp
Classification: Uncertain significance. Last evaluated: 2024-10-15. Review status: criteria provided, single submitter. Criteria: Invitae Variant Classification Sherloc (09022015). Collection method: clinical testing. Allele origin: germline.
Comment: This sequence change replaces arginine, which is basic and polar, with glycine, which is neutral and non-polar, at codon 2490 of the MACF1 protein (p.Arg2490Gly). This variant is not present in population databases (gnomAD no frequency). This variant has not been reported in the literature in individuals affected with MACF1-related conditions. An algorithm developed to predict the effect of missense changes on protein structure and function (PolyPhen-2) suggests that this variant is likely to be disruptive. In summary, the available evidence is currently insufficient to determine the role of this variant in disease. Therefore, it has been classified as a Variant of Uncertain Significance.

NM_001394062.1(MACF1):c.13654C>G (p.Arg4552Gly)

Gene: MACF1 (microtubule actin crosslinking factor 1; plus strand). Cytogenetic location: 1p34.3.
Variant type: single nucleotide variant.
Coding change: c.13654C>G on transcript NM_001394062.1 (MANE Select); coding-DNA position 13654, C replaced by G.
Protein change: p.Arg4552Gly; replaces arginine 4552 with glycine.
Molecular consequence: missense variant.
Genome position (GRCh38, 1-based): chr1:39,381,958, C>G. VCF-style: chr1-39381958-C-G. GRCh37 (hg19) VCF-style: chr1-39847630-C-G.
Other names: c.7468C>G, p.Arg2490Gly (NM_012090.5); short protein forms R4552G, R2490G.
Identifiers: ClinVar variation 2759934 (VCV002759934.3), dbSNP rs1234079000, ClinGen allele CA339832410.